The following is an entry in ClinVar:

ClinVar aggregate classification (germline): Likely pathogenic (0 of 4 stars; one submission).

Conditions:
Keratosis follicularis (DAR). Also called: Darier disease; Darier's disease. Identifiers: Orphanet 218, MedGen C0022595, MONDO:0007417, OMIM 124200.

Submission:

Medical Genetics Unit, Mauro Baschirotto Institute for Rare Disease
Classification: Likely pathogenic for Keratosis follicularis. Last evaluated: 2024-06-07. Review status: no assertion criteria provided. Collection method: provider interpretation. Allele origin: germline. Affected: yes. Observed: 1 variant allele.
Comment: The c.2318+2T>C variant has not been published as a pathogenic variant, nor has it been reported as a benign variant to our knowledge. This variant occurs in intron 15. To our knowledge, this variant has not been reported in the literature or in a large population database, indicating this variant is rare (PM2 moderate). Franklin by genoox computational prediction tools unanimously support a deleterious effect of this splicing variant on the gene (PVS1 very strong). This variant is predicted to cause exon skipping which disrupts reading frame and the mRNA is expected to undergo nonsense mediated decay. Therefore, this variant is classified likely pathogenic.

NM_170665.4(ATP2A2):c.2318+2T>C

Gene: ATP2A2 (ATPase sarcoplasmic/endoplasmic reticulum Ca2+ transporting 2; plus strand). Cytogenetic location: 12q24.11.
Variant type: single nucleotide variant.
Coding change: c.2318+2T>C on transcript NM_170665.4 (MANE Select); the canonical splice donor site of the intron after coding-DNA position 2318, T replaced by C.
Molecular consequence: splice donor variant.
Genome position (GRCh38, 1-based): chr12:110,342,450, T>C. VCF-style: chr12-110342450-T-C. GRCh37 (hg19) VCF-style: chr12-110780255-T-C.
Other names: c.1943+2T>C (NM_001413015.1); c.2318+2T>C (NM_001413014.1, NM_001681.4); c.2213+2T>C (NM_001413013.1).
Identifiers: ClinVar variation 3359252 (VCV003359252.2).